The following is an entry in ClinVar:

ClinVar aggregate classification (germline): Uncertain significance. Review status: criteria provided, multiple submitters, no conflicts (2 of 4 stars). 2 submissions from 2 submitters: Uncertain significance (2). Last evaluated 2023-06-12.

Conditions:
Inborn genetic diseases. Identifiers: MedGen C0950123, MeSH D030342.

Allele frequency attached by ClinVar (database versions not stated): gnomAD 0.00001; ExAC 0.00002.
gnomAD v4.1: 5 of 1,599,060 alleles (0.00031%); highest among the groups gnomAD compares: East Asian, 0.0023%; no homozygotes.

Submissions (2):

Ambry Genetics
Classification: Uncertain significance for Inborn genetic diseases. Last evaluated: 2023-06-12. Review status: criteria provided, single submitter. Criteria: Ambry Variant Classification Scheme 2023. Collection method: clinical testing. Allele origin: germline.

Labcorp Genetics (formerly Invitae), Labcorp
Classification: Uncertain significance. Last evaluated: 2022-05-03. Review status: criteria provided, single submitter. Criteria: Invitae Variant Classification Sherloc (09022015). Collection method: clinical testing. Allele origin: germline.
Comment: Advanced modeling of protein sequence and biophysical properties (such as structural, functional, and spatial information, amino acid conservation, physicochemical variation, residue mobility, and thermodynamic stability) performed at Invitae indicates that this missense variant is not expected to disrupt DCHS1 protein function. In summary, the available evidence is currently insufficient to determine the role of this variant in disease. Therefore, it has been classified as a Variant of Uncertain Significance. This variant has not been reported in the literature in individuals affected with DCHS1-related conditions. The frequency data for this variant in the population databases is considered unreliable, as metrics indicate poor data quality at this position in the gnomAD database. This sequence change replaces arginine, which is basic and polar, with glutamine, which is neutral and polar, at codon 751 of the DCHS1 protein (p.Arg751Gln).

NM_003737.4(DCHS1):c.2252G>A (p.Arg751Gln)

Gene: DCHS1 (dachsous cadherin-related 1; minus strand). Cytogenetic location: 11p15.4.
Variant type: single nucleotide variant.
Coding change: c.2252G>A on transcript NM_003737.4 (MANE Select); coding-DNA position 2252, G replaced by A.
Protein change: p.Arg751Gln; replaces arginine 751 with glutamine.
Molecular consequence: missense variant.
Genome position (GRCh38, 1-based): chr11:6,633,615, C>T on the plus strand (G>A on the coding strand, the complement: DCHS1 is on the minus strand). VCF-style: chr11-6633615-C-T. GRCh37 (hg19) VCF-style: chr11-6654846-C-T.
Other names: c.2252G>A (NM_003737.2); short protein forms R751Q.
Identifiers: ClinVar variation 1934437 (VCV001934437.7), dbSNP rs774036164, ClinGen allele CA5860763.
Genomic context (GRCh38, chr11:6,633,615, plus strand): 5'-TCTGCCTGTAGGCCACCTCCGTCCTCAGCCCCGATCTCCAGCTGCACCACAGAATTGGCC[C>T]GTCTGGCCAAGGGCCAGGCTACTGTCAACAGCCCTGAGAGGAAGAATAGAAGCAGAGATA-3'
Protein context (NP_003728.1, residues 741-761): LLTVAWPLAR[Arg751Gln]ANSVVQLEIG